The following is an entry in ClinVar:

NM_000551.4(VHL):c.340+822T>G

Genes: VHL (von Hippel-Lindau tumor suppressor; plus strand), LOC107303340 (3p25 von Hippel-Lindau tumor suppressor, E3 ubiquitin protein ligase Alu-mediated recombination region; plus strand). Cytogenetic location: 3p25.3.
Variant type: single nucleotide variant.
Coding change: c.340+822T>G on transcript NM_000551.4 (MANE Select); 822 bases into the intron after coding-DNA position 340, T replaced by G.
Molecular consequence: intron variant. On other transcripts: 3 prime UTR variant (1).
Genome position (GRCh38, 1-based): chr3:10,143,009, T>G. VCF-style: chr3-10143009-T-G. GRCh37 (hg19) VCF-style: chr3-10184693-T-G.
Other names: c.*5T>G (NM_001354723.2); c.340+822T>G (NM_198156.3).
Identifiers: ClinVar variation 1377813 (VCV001377813.8), dbSNP rs2125126133, ClinGen allele CA2573136150.
Genomic context (GRCh38, chr3:10,143,009, plus strand): 5'-GTGTGGTTTCAGTTAAGGAGCACTTCCCGGAGAAGGAAGAGAGCAGGATGGAGTAGGAAC[T>G]AGCCAACCCTAGGTAAGAGGTTCTAGACATGCGTGCGTTGAGACCTGGAGTCTTGGGAGA-3'

ClinVar aggregate classification (germline): Uncertain significance (1 of 4 stars; one submission).

Conditions:
Chuvash polycythemia. Also called: POLYCYTHEMIA, VHL-DEPENDENT. Identifiers: Orphanet 238557, MedGen C1837915, MONDO:0009892, OMIM 263400.
Von Hippel-Lindau syndrome (VHLS). Also called: Von Hippel-Lindau; von Hippel–Lindau syndrome; VHL syndrome. Identifiers: Orphanet 892, MedGen C0019562, MONDO:0008667, OMIM 193300. Disease mechanism: loss of function.

Submission:

Labcorp Genetics (formerly Invitae), Labcorp
Classification: Uncertain significance for Von Hippel-Lindau syndrome; Chuvash polycythemia. Last evaluated: 2021-03-10. Review status: criteria provided, single submitter. Criteria: Invitae Variant Classification Sherloc (09022015). Collection method: clinical testing. Allele origin: germline.
Comment: This sequence change falls in intron 1 of the VHL gene. It is not expected to change the encoded amino acid sequence of the VHL protein. However, this sequence change falls within a cryptic exon in the VHL gene, known as exon E1’, which is naturally expressed at low levels in several human tissues (PMID: 29891534). The frequency data for this variant in the population databases is considered unreliable, as metrics indicate insufficient coverage at this position in the ExAC database. In summary, the available evidence is currently insufficient to determine the role of this variant in disease. Therefore, it has been classified as a Variant of Uncertain Significance. Experimental studies and prediction algorithms are not available or were not evaluated, and the functional significance of this variant is currently unknown. This variant has not been reported in the literature in individuals with VHL-related conditions.

Literature cited by the submitters: PubMed 29891534.